The following is an entry in ClinVar:

NM_005159.4(ACTC1):c.*2090A>G

Genes: ACTC1 (actin alpha cardiac muscle 1; minus strand), GJD2-DT (GJD2 divergent transcript; plus strand). Cytogenetic location: 15q14.
Variant type: single nucleotide variant.
Coding change: c.*2090A>G on transcript NM_005159.4; 2090 bases downstream of the stop codon, A replaced by G.
Genome position (GRCh38, 1-based): chr15:34,788,322, T>C on the plus strand (A>G on the coding strand, the complement: ACTC1 is on the minus strand). VCF-style: chr15-34788322-T-C. GRCh37 (hg19) VCF-style: chr15-35080523-T-C.
Identifiers: ClinVar variation 315647 (VCV000315647.8), dbSNP rs604689, ClinGen allele CA10635845.

ClinVar aggregate classification (germline): Benign. Review status: criteria provided, multiple submitters, no conflicts (2 of 4 stars). 3 submissions from 2 submitters: Benign (3). Last evaluated 2018-01-13.

Conditions:
Dilated cardiomyopathy 1R (CMD1R). Identifiers: Orphanet 154, Orphanet 54260, MedGen C3150681, MONDO:0013261, OMIM 613424.
Hypertrophic cardiomyopathy 11. Also called: ACTC1-Related Familial Hypertrophic Cardiomyopathy. Identifiers: MedGen C2677506, MONDO:0012799, OMIM 612098.

Allele frequency attached by ClinVar (database versions not stated): gnomAD 0.46654 and 0.46717; 1000 Genomes Project 30x 0.38898; TOPMed 0.45358; 1000 Genomes Project 0.39257.

Submissions (3):

Illumina Laboratory Services, Illumina
Classification: Benign for Dilated cardiomyopathy 1R. Last evaluated: 2018-01-13. Review status: criteria provided, single submitter. Criteria: ICSL Variant Classification Criteria 13 December 2019. Collection method: clinical testing. Allele origin: germline.
Comment: This variant was observed in the ICSL laboratory as part of a predisposition screen in an ostensibly healthy population. It had not been previously curated by ICSL or reported in the Human Gene Mutation Database (HGMD: prior to June 1st, 2018), and was therefore a candidate for classification through an automated scoring system. Utilizing variant allele frequency, disease prevalence and penetrance estimates, and inheritance mode, an automated score was calculated to assess if this variant is too frequent to cause the disease. Based on the score and internal cut-off values, a variant classified as benign is not then subjected to further curation. The score for this variant resulted in a classification of benign for this disease.

Illumina Laboratory Services, Illumina
Classification: Benign for Hypertrophic cardiomyopathy 11. Last evaluated: 2018-01-13. Review status: criteria provided, single submitter. Criteria: ICSL Variant Classification Criteria 13 December 2019. Collection method: clinical testing. Allele origin: germline.
Comment: the same text as in the submission from Illumina Laboratory Services, Illumina above.

Breakthrough Genomics
Classification: Benign. Review status: criteria provided, single submitter. Criteria: ACMG Guidelines, 2015. Collection method: not provided. Allele origin: germline. Inheritance: Autosomal dominant inheritance. Affected: yes.